The following is an entry in ClinVar:

NM_006662.3(SRCAP):c.2825A>T (p.Asp942Val)

Gene: SRCAP (Snf2 related CREBBP activator protein; plus strand). Cytogenetic location: 16p11.2.
Variant type: single nucleotide variant.
Coding change: c.2825A>T on transcript NM_006662.3 (MANE Select); coding-DNA position 2825, A replaced by T.
Protein change: p.Asp942Val; replaces aspartic acid 942 with valine.
Molecular consequence: missense variant.
Genome position (GRCh38, 1-based): chr16:30,720,169, A>T. VCF-style: chr16-30720169-A-T. GRCh37 (hg19) VCF-style: chr16-30731490-A-T.
Other names: short protein forms D942V.
Identifiers: ClinVar variation 4883218 (VCV004883218.2).

ClinVar aggregate classification (germline): Uncertain significance (1 of 4 stars; one submission).

Conditions:
Developmental delay, hypotonia, musculoskeletal defects, and behavioral abnormalities. Identifiers: MedGen C5562012, MONDO:0859202, OMIM 619595.

gnomAD v4.1: 8 of 1,608,840 alleles (0.0005%); highest among the groups gnomAD compares: Non-Finnish European, 0.00068%; no homozygotes.

Submission:

Dasa
Classification: Uncertain significance for Developmental delay, hypotonia, musculoskeletal defects, and behavioral abnormalities. Last evaluated: 2025-11-03. Review status: criteria provided, single submitter. Criteria: DASA Assertion Criteria. Collection method: clinical testing. Allele origin: germline.
Comment: NM_006662.3(SRCAP):c.2825A>T (p.Asp942Val) is a missense variant that results in the substitution of aspartic acid with valine. This variant is rare in population databases. Computational prediction algorithms are consistent with a deleterious effect. The currently available literature and clinical evidence are not sufficient to establish a definitive association between this variant and the reported condition. Therefore, this variant is classified as a variant of uncertain significance.